The following is an entry in ClinVar:

ClinVar aggregate classification (germline): Likely benign. Review status: criteria provided, multiple submitters, no conflicts (2 of 4 stars). 3 submissions from 3 submitters: Likely benign (2). 1 of the submissions does not count toward it. Last evaluated 2026-02-01.

Conditions:
MYO18B-related disorder. Also called: MYO18B-related condition.

Allele frequency attached by ClinVar (database versions not stated): TOPMed 0.00005; gnomAD exomes 0.00007; gnomAD 0.00010 and 0.00011; ExAC 0.00012; ESP Exome Variant Server 0.00016.
gnomAD v4.1: 114 of 1,609,726 alleles (0.0071%); highest among the groups gnomAD compares: Middle Eastern, 0.016%; no homozygotes.

Submissions (3):

Labcorp Genetics (formerly Invitae), Labcorp
Classification: Likely benign. Last evaluated: 2026-02-01. Review status: criteria provided, single submitter. Criteria: Invitae Variant Classification Sherloc (09022015). Collection method: clinical testing. Allele origin: germline.

Blueprint Genetics
Classification: Likely benign. Last evaluated: 2024-11-26. Review status: criteria provided, single submitter. Criteria: ACMG Guidelines, 2015. Collection method: clinical testing. Allele origin: germline.

PreventionGenetics, part of Exact Sciences
Classification: Likely benign for MYO18B-related condition. Last evaluated: 2019-06-12. Review status: no assertion criteria provided. Collection method: clinical testing. Allele origin: germline. Not counted in ClinVar's aggregate classification.
Comment: This variant is classified as likely benign based on ACMG/AMP sequence variant interpretation guidelines (Richards et al. 2015 PMID: 25741868, with internal and published modifications).

NM_032608.7(MYO18B):c.879G>A (p.Val293=)

Gene: MYO18B (myosin XVIIIB; plus strand). Cytogenetic location: 22q12.1.
Variant type: single nucleotide variant.
Coding change: c.879G>A on transcript NM_032608.7 (MANE Select); coding-DNA position 879, G replaced by A.
Protein change: p.Val293=; no amino-acid change (valine 293 retained).
Molecular consequence: synonymous variant.
Genome position (GRCh38, 1-based): chr22:25,768,795, G>A. VCF-style: chr22-25768795-G-A. GRCh37 (hg19) VCF-style: chr22-26164762-G-A.
Other names: c.879G>A (NM_032608.6); c.879G>A, p.Val293= (NM_001318245.2).
Identifiers: ClinVar variation 1531410 (VCV001531410.11), dbSNP rs376763418, ClinGen allele CA10159712.